The following is an entry in ClinVar:

ClinVar aggregate classification (germline): Conflicting classifications of pathogenicity. Review status: criteria provided, conflicting classifications (1 of 4 stars). 4 submissions from 4 submitters: Uncertain significance (3); Likely benign (1). Last evaluated 2026-02-17.

Conditions:
Hereditary cancer-predisposing syndrome. Also called: Tumor predisposition; Hereditary Cancer Syndrome; Hereditary neoplastic syndrome; Neoplastic Syndromes, Hereditary. Identifiers: Orphanet 140162, MedGen C0027672, MeSH D009386, MONDO:0015356.
Familial cancer of breast. Also called: BREAST CANCER, FAMILIAL; hereditary breast carcinoma; Hereditary breast cancer. Identifiers: Orphanet 227535, MedGen C0346153, MONDO:0016419, OMIM 114480. Disease mechanism: loss of function.

Allele frequency attached by ClinVar (database versions not stated): TOPMed below 0.00001; gnomAD exomes below 0.00001; gnomAD 0.00001.
gnomAD v4.1: 5 of 1,613,866 alleles (0.00031%); highest among the groups gnomAD compares: Non-Finnish European, 0.00042%; no homozygotes.

Submissions (4):

Ambry Genetics
Classification: Uncertain significance for Hereditary cancer-predisposing syndrome. Last evaluated: 2026-02-17. Review status: criteria provided, single submitter. Criteria: Ambry Variant Classification Scheme 2023. Collection method: clinical testing. Allele origin: germline.
Comment: The c.444+4G>A intronic variant results from a G to A substitution 4 nucleotides after coding exon 2 in the CHEK2 gene. This nucleotide position is well conserved in available vertebrate species. In silico splice site analysis predicts that this alteration will not have any significant effect on splicing. Based on the available evidence, the clinical significance of this variant remains unclear.

Labcorp Genetics (formerly Invitae), Labcorp
Classification: Uncertain significance for Familial cancer of breast. Last evaluated: 2025-09-02. Review status: criteria provided, single submitter. Criteria: Invitae Variant Classification Sherloc (09022015). Collection method: clinical testing. Allele origin: germline.
Comment: This sequence change falls in intron 3 of the CHEK2 gene. It does not directly change the encoded amino acid sequence of the CHEK2 protein. It affects a nucleotide within the consensus splice site. This variant is not present in population databases (gnomAD no frequency). This variant has not been reported in the literature in individuals affected with CHEK2-related conditions. ClinVar contains an entry for this variant (Variation ID: 530242). Variants that disrupt the consensus splice site are a relatively common cause of aberrant splicing (PMID: 17576681, 9536098). Algorithms developed to predict the effect of sequence changes on RNA splicing suggest that this variant is not likely to affect RNA splicing. In summary, the available evidence is currently insufficient to determine the role of this variant in disease. Therefore, it has been classified as a Variant of Uncertain Significance.

Myriad Genetics, Inc.
Classification: Likely benign for Familial cancer of breast. Last evaluated: 2024-10-02. Review status: criteria provided, single submitter. Criteria: Myriad Autosomal Dominant, Autosomal Recessive and X-Linked Classification Criteria (2023). Collection method: clinical testing. Allele origin: unknown.
Comment: This variant is considered likely benign. This variant is intronic and is not expected to impact mRNA splicing.

Genetics and Molecular Pathology, SA Pathology
Classification: Uncertain significance for Familial cancer of breast. Last evaluated: 2020-10-19. Review status: criteria provided, single submitter. Criteria: ACMG Guidelines, 2015. Collection method: clinical testing. Allele origin: germline. Affected: yes.

Literature cited by the submitters: PubMed 17576681 (cited by Labcorp Genetics (formerly Invitae), Labcorp); PubMed 9536098 (cited by Labcorp Genetics (formerly Invitae), Labcorp).

NM_007194.4(CHEK2):c.444+4G>A

Gene: CHEK2 (checkpoint kinase 2; minus strand). Cytogenetic location: 22q12.1.
Variant type: single nucleotide variant.
Coding change: c.444+4G>A on transcript NM_007194.4 (MANE Select); 4 bases into the intron after coding-DNA position 444, G replaced by A.
Molecular consequence: intron variant.
Genome position (GRCh38, 1-based): chr22:28,725,239, C>T on the plus strand (G>A on the coding strand, the complement: CHEK2 is on the minus strand). VCF-style: chr22-28725239-C-T. GRCh37 (hg19) VCF-style: chr22-29121227-C-T.
Other names: c.-220+4G>A (NM_001437942.1); c.444+4G>A (NM_001349956.3, NM_145862.3); c.-334+4G>A (NM_001257387.3); c.537+4G>A (NM_001438295.1, NM_001438293.1); c.573+4G>A (NM_001438294.1, NM_001005735.3).
Identifiers: ClinVar variation 530242 (VCV000530242.13), dbSNP rs1434760802, ClinGen allele CA658799526.
Genomic context (GRCh38, chr22:28,725,239, plus strand): 5'-AAAATATCTAAAAACAATGACCAAATTACCAGCTCTCCTAGATACATGGGTATTCATTAC[C>T]TACCCTGAAAATCCGAAAGTGTTTCTTGCTGTATGTTCGGTATTTATCTGTTCTTTTCAG-3'